The following is an entry in ClinVar:

ClinVar aggregate classification (germline): Uncertain significance (1 of 4 stars; one submission).

Submission:

Labcorp Genetics (formerly Invitae), Labcorp
Classification: Uncertain significance. Last evaluated: 2022-01-05. Review status: criteria provided, single submitter. Criteria: Invitae Variant Classification Sherloc (09022015). Collection method: clinical testing. Allele origin: germline.
Comment: In summary, the available evidence is currently insufficient to determine the role of this variant in disease. Therefore, it has been classified as a Variant of Uncertain Significance. Algorithms developed to predict the effect of missense changes on protein structure and function are either unavailable or do not agree on the potential impact of this missense change (SIFT: "Deleterious"; PolyPhen-2: "Probably Damaging"; Align-GVGD: "Class C0"). This variant has not been reported in the literature in individuals affected with SNRNP200-related conditions. This variant is not present in population databases (gnomAD no frequency). This sequence change replaces leucine, which is neutral and non-polar, with phenylalanine, which is neutral and non-polar, at codon 925 of the SNRNP200 protein (p.Leu925Phe).

NM_014014.5(SNRNP200):c.2773C>T (p.Leu925Phe)

Gene: SNRNP200 (small nuclear ribonucleoprotein U5 subunit 200; minus strand). Cytogenetic location: 2q11.2.
Variant type: single nucleotide variant.
Coding change: c.2773C>T on transcript NM_014014.5 (MANE Select); coding-DNA position 2773, C replaced by T.
Protein change: p.Leu925Phe; replaces leucine 925 with phenylalanine.
Molecular consequence: missense variant.
Genome position (GRCh38, 1-based): chr2:96,289,966, G>A on the plus strand (C>T on the coding strand, the complement: SNRNP200 is on the minus strand). VCF-style: chr2-96289966-G-A. GRCh37 (hg19) VCF-style: chr2-96955704-G-A.
Other names: short protein forms L925F.
Identifiers: ClinVar variation 2075392 (VCV002075392.4), dbSNP rs2467334905, ClinGen allele CA347675198.